The following is an entry in ClinVar:

NM_001081.4(CUBN):c.8063-1G>A

Gene: CUBN (cubilin; minus strand). Cytogenetic location: 10p13.
Variant type: single nucleotide variant.
Coding change: c.8063-1G>A on transcript NM_001081.4 (MANE Select); the canonical splice acceptor site of the intron before coding-DNA position 8063, G replaced by A.
Molecular consequence: splice acceptor variant.
Genome position (GRCh38, 1-based): chr10:16,901,460, C>T on the plus strand (G>A on the coding strand, the complement: CUBN is on the minus strand). VCF-style: chr10-16901460-C-T. GRCh37 (hg19) VCF-style: chr10-16943459-C-T.
Identifiers: ClinVar variation 2146199 (VCV002146199.4), dbSNP rs1431973744, ClinGen allele CA376141809.

ClinVar aggregate classification (germline): Likely pathogenic (1 of 4 stars; one submission).

Conditions:
Imerslund-Grasbeck syndrome. Also called: PERNICIOUS ANEMIA, JUVENILE, DUE TO SELECTIVE INTESTINAL MALABSORPTION OF VITAMIN B12, WITH PROTEINURIA; Megaloblastic anemia due to inborn errors of metabolism; ENTEROCYTE COBALAMIN MALABSORPTION; ENTEROCYTE INTRINSIC FACTOR RECEPTOR, DEFECT OF; Imerslund-Gräsbeck syndrome. Identifiers: Orphanet 35858, MedGen C4551825, MONDO:0009853.

Allele frequency attached by ClinVar (database versions not stated): TOPMed below 0.00001; gnomAD 0.00001.

Submission:

Labcorp Genetics (formerly Invitae), Labcorp
Classification: Likely pathogenic for Imerslund-Grasbeck syndrome. Last evaluated: 2022-06-03. Review status: criteria provided, single submitter. Criteria: Invitae Variant Classification Sherloc (09022015). Collection method: clinical testing. Allele origin: germline.
Comment: Algorithms developed to predict the effect of sequence changes on RNA splicing suggest that this variant may disrupt the consensus splice site. In summary, the currently available evidence indicates that the variant is pathogenic, but additional data are needed to prove that conclusively. Therefore, this variant has been classified as Likely Pathogenic. This variant has not been reported in the literature in individuals affected with CUBN-related conditions. This variant is not present in population databases (gnomAD no frequency). This sequence change affects an acceptor splice site in intron 51 of the CUBN gene. It is expected to disrupt RNA splicing. Variants that disrupt the donor or acceptor splice site typically lead to a loss of protein function (PMID: 16199547), and loss-of-function variants in CUBN are known to be pathogenic (PMID: 15024727, 22929189).

Literature cited by the submitters: PubMed 16199547; PubMed 15024727; PubMed 22929189.